The following is an entry in ClinVar:

ClinVar aggregate classification (germline): Benign. Review status: criteria provided, multiple submitters, no conflicts (2 of 4 stars). 3 submissions from 2 submitters: Benign (3). Last evaluated 2018-01-13.

Conditions:
Birt-Hogg-Dube syndrome. Also called: Birt Hogg Dubé syndrome. Identifiers: Orphanet 122, MedGen C0346010, MONDO:0800444.
Familial spontaneous pneumothorax (PSP). Identifiers: Orphanet 2903, MedGen C1868193, MONDO:0008259, OMIM 173600.

Allele frequency attached by ClinVar (database versions not stated): 1000 Genomes Project 0.08427; 1000 Genomes Project 30x 0.08729; gnomAD exomes 0.10602; gnomAD 0.12032; TOPMed 0.12287.
gnomAD v4.1: 21,050 of 175,982 alleles (12%); highest among the groups gnomAD compares: Middle Eastern, 14%; 1,374 homozygotes.

Submissions (8):

Illumina Laboratory Services, Illumina
Classification: Benign for Birt-Hogg-Dube syndrome 1. Last evaluated: 2018-01-13. Review status: criteria provided, single submitter. Criteria: ICSL Variant Classification Criteria 13 December 2019. Collection method: clinical testing. Allele origin: germline.
Comment: This variant was observed in the ICSL laboratory as part of a predisposition screen in an ostensibly healthy population. It had not been previously curated by ICSL or reported in the Human Gene Mutation Database (HGMD: prior to June 1st, 2018), and was therefore a candidate for classification through an automated scoring system. Utilizing variant allele frequency, disease prevalence and penetrance estimates, and inheritance mode, an automated score was calculated to assess if this variant is too frequent to cause the disease. Based on the score and internal cut-off values, a variant classified as benign is not then subjected to further curation. The score for this variant resulted in a classification of benign for this disease.

Illumina Laboratory Services, Illumina
Classification: Benign for Familial spontaneous pneumothorax. Last evaluated: 2018-01-13. Review status: criteria provided, single submitter. Criteria: ICSL Variant Classification Criteria 13 December 2019. Collection method: clinical testing. Allele origin: germline.
Comment: the same text as in the submission from Illumina Laboratory Services, Illumina above.

Breakthrough Genomics
Classification: Benign. Review status: criteria provided, single submitter. Criteria: ACMG Guidelines, 2015. Collection method: not provided. Allele origin: germline. Inheritance: Autosomal dominant inheritance. Affected: yes.

Dr. Peter K. Rogan Lab, Western University
No classification provided (evidence only). Condition: Acute myeloid leukemia. Review status: no classification provided. Collection method: in vitro. Allele origin: not applicable. Functional consequence: retained intron. Not counted in ClinVar's aggregate classification.

Dr. Peter K. Rogan Lab, Western University
No classification provided (evidence only). Condition: Acute myeloid leukemia. Review status: no classification provided. Collection method: in vitro. Allele origin: not applicable. Functional consequence: retained intron. Not counted in ClinVar's aggregate classification.

Dr. Peter K. Rogan Lab, Western University
No classification provided (evidence only). Condition: Acute myeloid leukemia. Review status: no classification provided. Collection method: in vitro. Allele origin: not applicable. Functional consequence: retained intron. Not counted in ClinVar's aggregate classification.

Dr. Peter K. Rogan Lab, Western University
No classification provided (evidence only). Condition: Acute myeloid leukemia. Review status: no classification provided. Collection method: in vitro. Allele origin: not applicable. Functional consequence: retained intron. Not counted in ClinVar's aggregate classification.

Dr. Peter K. Rogan Lab, Western University
No classification provided (evidence only). Condition: Acute myeloid leukemia. Review status: no classification provided. Collection method: in vitro. Allele origin: not applicable. Functional consequence: retained intron. Not counted in ClinVar's aggregate classification.

NM_144997.7(FLCN):c.*1336G>T

Gene: FLCN (folliculin; minus strand). Cytogenetic location: 17p11.2.
Variant type: single nucleotide variant.
Coding change: c.*1336G>T on transcript NM_144997.7 (MANE Select); 1336 bases downstream of the stop codon, G replaced by T.
Molecular consequence: 3 prime UTR variant.
Genome position (GRCh38, 1-based): chr17:17,212,319, C>A on the plus strand (G>T on the coding strand, the complement: FLCN is on the minus strand). VCF-style: chr17-17212319-C-A. GRCh37 (hg19) VCF-style: chr17-17115633-C-A.
Other names: NC_000017.10:g.17115633C>A; c.*1336G>T (LRG_325t1, NM_001353229.2, NM_001353230.2 and 1 more transcripts).
Identifiers: ClinVar variation 322034 (VCV000322034.7), dbSNP rs7218992, ClinGen allele CA10649602.